The following is an entry in ClinVar:

ClinVar aggregate classification (germline): Uncertain significance. Review status: criteria provided, multiple submitters, no conflicts (2 of 4 stars). 4 submissions from 4 submitters: Uncertain significance (4). Last evaluated 2025-06-24.

Conditions:
Junctional epidermolysis bullosa with pyloric atresia. Also called: Junctional Epidermolysis Bullosa- Pyloric Atresia Syndrome; EPIDERMOLYSIS BULLOSA, JUNCTIONAL 5B, WITH PYLORIC ATRESIA; Epidermolysis bullosa, junctional, with pyloric atresia and aplasia cutis congenita; Epidermolysis bullosa junctionalis with pyloric atresia; APLASIA CUTIS CONGENITA WITH GASTROINTESTINAL ATRESIA; CARMI SYNDROME. Identifiers: Orphanet 79403, MedGen C5676875, MONDO:0009183, OMIM 226730.
Epidermolysis bullosa, junctional 5A, intermediate. Also called: EPIDERMOLYSIS BULLOSA, JUNCTIONAL 5A, GENERALIZED INTERMEDIATE; EPIDERMOLYSIS BULLOSA, JUNCTIONAL 5A, NON-HERLITZ TYPE. Identifiers: MedGen C5676956, MONDO:0030768, OMIM 619816.
Inborn genetic diseases. Identifiers: MedGen C0950123, MeSH D030342.

Allele frequency attached by ClinVar (database versions not stated): gnomAD exomes 0.00003 and 0.00001; gnomAD 0.00001; TOPMed 0.00001; ExAC 0.00004.
gnomAD v4.1: 21 of 1,612,854 alleles (0.0013%); highest among the groups gnomAD compares: Admixed American, 0.005%; no homozygotes.

Submissions (4):

Ambry Genetics
Classification: Uncertain significance for Inborn genetic diseases. Last evaluated: 2025-06-24. Review status: criteria provided, single submitter. Criteria: Ambry Variant Classification Scheme 2023. Collection method: clinical testing. Allele origin: germline.

Fulgent Genetics
Classification: Uncertain significance for Junctional epidermolysis bullosa with pyloric atresia; Epidermolysis bullosa, junctional 5A, intermediate. Last evaluated: 2024-04-22. Review status: criteria provided, single submitter. Criteria: ACMG Guidelines, 2015. Collection method: clinical testing. Allele origin: germline.

Labcorp Genetics (formerly Invitae), Labcorp
Classification: Uncertain significance. Last evaluated: 2022-09-27. Review status: criteria provided, single submitter. Criteria: Invitae Variant Classification Sherloc (09022015). Collection method: clinical testing. Allele origin: germline.
Comment: This sequence change replaces arginine, which is basic and polar, with cysteine, which is neutral and slightly polar, at codon 1452 of the ITGB4 protein (p.Arg1452Cys). This variant is present in population databases (rs772482963, gnomAD 0.009%). This variant has not been reported in the literature in individuals affected with ITGB4-related conditions. ClinVar contains an entry for this variant (Variation ID: 889659). Algorithms developed to predict the effect of missense changes on protein structure and function are either unavailable or do not agree on the potential impact of this missense change (SIFT: "Not Available"; PolyPhen-2: "Possibly Damaging"; Align-GVGD: "Not Available"). In summary, the available evidence is currently insufficient to determine the role of this variant in disease. Therefore, it has been classified as a Variant of Uncertain Significance.

Illumina Laboratory Services, Illumina
Classification: Uncertain significance for Junctional epidermolysis bullosa with pyloric atresia. Last evaluated: 2018-01-13. Review status: criteria provided, single submitter. Criteria: ICSL Variant Classification Criteria 13 December 2019. Collection method: clinical testing. Allele origin: germline.

NM_000213.5(ITGB4):c.4564C>T (p.Arg1522Cys)

Genes: GALK1 (galactokinase 1; minus strand), ITGB4 (integrin subunit beta 4; plus strand). Cytogenetic location: 17q25.1.
Variant type: single nucleotide variant.
Coding change: c.4564C>T on transcript NM_000213.5 (MANE Select); coding-DNA position 4564, C replaced by T.
Protein change: p.Arg1522Cys; replaces arginine 1522 with cysteine.
Molecular consequence: missense variant. On other transcripts: intron variant (2).
Genome position (GRCh38, 1-based): chr17:75,755,706, C>T. VCF-style: chr17-75755706-C-T. GRCh37 (hg19) VCF-style: chr17-73751787-C-T.
Other names: c.4513C>T, p.Arg1505Cys (NM_001005619.2); c.4354C>T, p.Arg1452Cys (NM_001005731.3, NM_001321123.2); c.4349-723C>T (NM_001438834.1); c.*22+2328G>A (NM_001381985.1); short protein forms R1505C, R1522C, R1452C.
Identifiers: ClinVar variation 889659 (VCV000889659.7), dbSNP rs772482963, ClinGen allele CA8770240.